The following is an entry in ClinVar:

NM_000051.4(ATM):c.6315G>C (p.Arg2105Ser)

Genes: ATM (ATM serine/threonine kinase; plus strand), C11orf65 (chromosome 11 open reading frame 65; minus strand). Cytogenetic location: 11q22.3.
Variant type: single nucleotide variant.
Coding change: c.6315G>C on transcript NM_000051.4 (MANE Select); coding-DNA position 6315, G replaced by C.
Protein change: p.Arg2105Ser; replaces arginine 2105 with serine.
Molecular consequence: missense variant. On other transcripts: intron variant (2).
Genome position (GRCh38, 1-based): chr11:108,317,489, G>C. VCF-style: chr11-108317489-G-C. GRCh37 (hg19) VCF-style: chr11-108188216-G-C.
Other names: c.6315G>C, p.Arg2105Ser (NM_001351834.2); c.641-8418C>G (NM_001330368.2); c.*39-8418C>G (NM_001351110.2); short protein forms R2105S.
Identifiers: ClinVar variation 135767 (VCV000135767.54), dbSNP rs587780632, ClinGen allele CA167882.

ClinVar aggregate classification (germline): Conflicting classifications of pathogenicity. Review status: criteria provided, conflicting classifications (1 of 4 stars). 17 submissions from 17 submitters: Uncertain significance (14); Benign (1); Likely benign (1). 1 of the submissions does not count toward it. Last evaluated 2026-03-30.

Conditions:
ATM-related disorder. Also called: ATM-related disorders; ATM-related condition.
Hereditary cancer-predisposing syndrome. Also called: Neoplastic Syndromes, Hereditary; Hereditary Cancer Syndrome; Tumor predisposition; Hereditary neoplastic syndrome. Identifiers: Orphanet 140162, MedGen C0027672, MeSH D009386, MONDO:0015356.
Familial cancer of breast. Also called: BREAST CANCER, FAMILIAL; hereditary breast carcinoma; Hereditary breast cancer. Identifiers: Orphanet 227535, MedGen C0346153, MONDO:0016419, OMIM 114480. Disease mechanism: loss of function.
Malignant tumor of breast. Also called: Malignant breast neoplasm; Cancer breast. Identifiers: MedGen C0006142, MONDO:0007254. Disease mechanism: loss of function.
Ataxia-telangiectasia syndrome (AT). Also called: Ataxia-telangiectasia, complementation group D; AT, COMPLEMENTATION GROUP C; Ataxia-telangiectasia; ATAXIA-TELANGIECTASIA, COMPLEMENTATION GROUP A; ATAXIA-TELANGIECTASIA, FRESNO VARIANT; Ataxia-telangiectasia, complementation group E. Identifiers: Orphanet 100, MedGen C0004135, MONDO:0008840, OMIM 208900.

Allele frequency attached by ClinVar (database versions not stated): gnomAD exomes 0.00005 and 0.00010; TOPMed 0.00007; ExAC 0.00005; gnomAD 0.00006.
gnomAD v4.1: 80 of 1,610,570 alleles (0.005%); highest among the groups gnomAD compares: Admixed American, 0.025%; no homozygotes.

Submissions 1 to 12 of 17:

Institute for Biomarker Research, Medical Diagnostic Laboratories, L.L.C.
Classification: Uncertain significance for Hereditary cancer-predisposing syndrome. Last evaluated: 2026-03-30. Review status: criteria provided, single submitter. Criteria: ACMG Guidelines, 2015. Collection method: clinical testing. Allele origin: germline.
Comment: The missense variant NM_000051.4(ATM):c.6315G>C (p.Arg2105Ser) has not been reported previously as a pathogenic variant, to our knowledge (Accession: VCV000135767.51). There is a moderate physicochemical difference between arginine and serine. The gene ATM has a low rate of benign missense variation as indicated by a high missense variants Z-Score of 2.52. The p.Arg2105Ser missense variant is predicted to be damaging by both SIFT and PolyPhen2. The nucleotide c.6315 in ATM is predicted conserved by GERP++ and PhyloP across 100 vertebrates. For these reasons, this variant has been classified as Uncertain Significance.

PreventionGenetics, part of Exact Sciences
Classification: Uncertain significance for ATM-related condition. Last evaluated: 2026-03-06. Review status: criteria provided, single submitter. Criteria: ACMG Guidelines, 2015. Collection method: clinical testing. Allele origin: germline.
Comment: The ATM c.6315G>C variant is predicted to result in the amino acid substitution p.Arg2105Ser. This variant was seen in an individual undergoing Lynch syndrome testing (Yurgelun et al. 2015. PubMed ID: 25980754) in individuals with breast cancer (Tung et al. 2014. PubMed ID: 25186627; Breast Cancer Association Consortium et al. 2021. PubMed ID: 33471991), and in an individual with idiopathic juxtafoveolar retinal telangiectasia (Mauget-Faÿsse et al. 2003. PubMed ID: 12882767). This variant was determined to be of uncertain clinical significance by a large consortium evaluating predisposition to prostate cancer (Karlsson et al. 2021. PubMed ID: 33436325). This variant is reported in 0.14% of alleles in individuals of Ashkenazi Jewish descent in gnomAD and has conflicting interpretations regarding its pathogenicity in ClinVar, ranging from benign to uncertain (Variation ID: 135767). At this time, the clinical significance of this variant is uncertain due to the absence of conclusive functional and genetic evidence.

Labcorp Genetics (formerly Invitae), Labcorp
Classification: Benign for Ataxia-telangiectasia syndrome. Last evaluated: 2026-02-03. Review status: criteria provided, single submitter. Criteria: Invitae Variant Classification Sherloc (09022015). Collection method: clinical testing. Allele origin: germline.

GeneDx
Classification: Uncertain significance. Last evaluated: 2026-01-18. Review status: criteria provided, single submitter. Criteria: GeneDx Variant Classification Process June 2021. Collection method: clinical testing. Allele origin: germline. Affected: yes.
Comment: Observed in individuals with idiopathic ocular telangiectasias as well as in individuals with personal or family history of breast, pancreatic or other cancers (PMID: 12882767, 25186627, 25980754, 33280026, 33436325, 33939675, 35534704, 33471991); Published functional studies demonstrate phosphorylation ability against KAP1 similar to wild type suggesting a neutral effect (PMID: 40105422); In silico analysis supports that this missense variant has a deleterious effect on protein structure/function; This variant is associated with the following publications: (PMID: 25980754, 25186627, 12882767, 33436325, 33280026, 33471991, 33939675, 31206626, 36315919, 35451682, 35534704, 36845387, 38147532, 23532176, 40105422)

Ambry Genetics
Classification: Uncertain significance for Hereditary cancer-predisposing syndrome. Last evaluated: 2025-10-10. Review status: criteria provided, single submitter. Criteria: Ambry Variant Classification Scheme 2023. Collection method: clinical testing. Allele origin: germline.
Comment: The p.R2105S variant (also known as c.6315G>C), located in coding exon 42 of the ATM gene, results from a G to C substitution at nucleotide position 6315. The arginine at codon 2105 is replaced by serine, an amino acid with dissimilar properties. This amino acid position is highly conserved in available vertebrate species. In addition, this alteration is predicted to be deleterious by in silico analysis. There is no significant difference between the population frequency in our internal test cohort and the Genome Aggregation Database (gnomAD) (Ambry internal data). Based on the available evidence, the clinical significance of this variant remains unclear.

Color Diagnostics, LLC DBA Color Health
Classification: Uncertain significance for Hereditary cancer-predisposing syndrome. Last evaluated: 2025-02-03. Review status: criteria provided, single submitter. Criteria: ACMG Guidelines, 2015. Collection method: clinical testing. Allele origin: germline.
Comment: This missense variant replaces arginine with serine at codon 2105 of the ATM protein. Computational prediction suggests that this variant may have deleterious impact on protein structure and function. To our knowledge, functional studies have not been reported for this variant. This variant has been reported in individuals affected with idiopathic ocular telangiectasia (PMID: 12882767), breast cancer (PMID: 25186627), and Lynch syndrome-associated cancer and/or polyps (PMID: 25980754). In a large international case-control study, this variant was reported in 1/60465 breast cancer cases and absent in 53461 controls (PMID: 33471991). This variant has also been identified in 26/251292 chromosomes in the general population by the Genome Aggregation Database (gnomAD). The available evidence is insufficient to determine the role of this variant in disease conclusively. Therefore, this variant is classified as a Variant of Uncertain Significance.

Women's Health and Genetics/Laboratory Corporation of America, LabCorp
Classification: Uncertain significance. Last evaluated: 2024-12-09. Review status: criteria provided, single submitter. Criteria: LabCorp Variant Classification Summary - May 2015. Collection method: clinical testing. Allele origin: germline.
Comment: Variant summary: ATM c.6315G>C (p.Arg2105Ser) results in a non-conservative amino acid change located in the PIK-related kinase domain (IPR014009) of the encoded protein sequence. Four of five in-silico tools predict a damaging effect of the variant on protein function. The variant allele was found at a frequency of 0.0001 in 251292 control chromosomes. This frequency is not significantly higher than estimated for a pathogenic variant in ATM causing Breast Cancer (0.0001 vs 0.001), allowing no conclusion about variant significance. c.6315G>C has been reported in the literature in individuals affected with idiopathic retinal telangiectasia (e.g., Mauget-Faysse_2003), breast cancer (e.g., Tung_2015, Feliubadalo_2020), chronic lymphocytic leukemia (Lampson_2023), prostate cancer (Karlsson_2021), and Lynch syndrome-associated cancer and/or polyps (e.g., Yurgelun_2015) as well an individual with a family history of pancreatic cancer (Zhu_2021), however without strong evidence for causality in all cases (e.g., lack of co-segregation and co-occurrence data). The variant was also found in controls (example, Weitzel_2019). These reports therefore do not provide unequivocal conclusions about association of the variant with Breast Cancer. To our knowledge, no experimental evidence demonstrating an impact on protein function has been reported. The following publications have been ascertained in the context of this evaluation (PMID: 33280026, 12882767, 25186627, 31206626, 25980754, 33436325, 36315919, 33939675). ClinVar contains an entry for this variant (Variation ID: 135767). Based on the evidence outlined above, the variant was classified as uncertain significance.

Molecular Pathology, Peter Maccallum Cancer Centre
Classification: Uncertain significance for Ataxia-telangiectasia syndrome. Last evaluated: 2024-12-04. Review status: criteria provided, single submitter. Criteria: ACMG Guidelines, 2015. Collection method: clinical testing. Allele origin: germline. Inheritance: Autosomal recessive inheritance.

Athena Diagnostics
Classification: Likely benign. Last evaluated: 2024-07-31. Review status: criteria provided, single submitter. Criteria: Athena Diagnostics Criteria. Collection method: clinical testing. Allele origin: unknown.

Baylor Genetics
Classification: Uncertain significance for Familial cancer of breast. Last evaluated: 2024-03-27. Review status: criteria provided, single submitter. Criteria: ACMG Guidelines, 2015. Collection method: clinical testing. Allele origin: unknown.

Blueprint Genetics
Classification: Uncertain significance. Last evaluated: 2023-01-17. Review status: criteria provided, single submitter. Criteria: ACMG Guidelines, 2015. Collection method: clinical testing. Allele origin: germline.

Institute for Clinical Genetics, University Hospital TU Dresden, University Hospital TU Dresden
Classification: Uncertain significance. Last evaluated: 2021-11-03. Review status: criteria provided, single submitter. Criteria: ACMG Guidelines, 2015. Collection method: clinical testing. Allele origin: germline.